The following is an entry in ClinVar:

NM_000088.4(COL1A1):c.66C>T (p.Gly22=)

Gene: COL1A1 (collagen type I alpha 1 chain; minus strand). Cytogenetic location: 17q21.33.
Variant type: single nucleotide variant.
Coding change: c.66C>T on transcript NM_000088.4 (MANE Select); coding-DNA position 66, C replaced by T.
Protein change: p.Gly22=; no amino-acid change (glycine 22 retained).
Molecular consequence: synonymous variant.
Genome position (GRCh38, 1-based): chr17:50,201,448, G>A on the plus strand (C>T on the coding strand, the complement: COL1A1 is on the minus strand). VCF-style: chr17-50201448-G-A. GRCh37 (hg19) VCF-style: chr17-48278809-G-A.
Identifiers: ClinVar variation 3051954 (VCV003051954.2), dbSNP rs2509266844, ClinGen allele CA500852468.
Genomic context (GRCh38, chr17:50,201,448, plus strand): 5'-ACTCCCAAAAGTTTGGGACTTACTGTCTTCGTCTTGGCCCTCGACTTGGCCTTCCTCTTG[G>A]CCGTGCGTCAGGAGGGCGGTGGCCGCTAAGAGGAGCAGGAGCCGGAGGTCCACAAAGCTG-3'
Protein context (NP_000079.2, residues 12-32): LLAATALLTH[Gly22=]QEEGQVEGQD

ClinVar aggregate classification (germline): Likely benign (0 of 4 stars; one submission).

Conditions:
COL1A1-related disorder. Also called: COL1A1- related disease; COL1A1-related condition.

Allele frequency attached by ClinVar (database versions not stated): gnomAD exomes below 0.00001.
gnomAD v4.1: 2 of 1,613,644 alleles (0.00012%); highest among the groups gnomAD compares: Non-Finnish European, 0.00017%; no homozygotes.

Submission:

PreventionGenetics, part of Exact Sciences
Classification: Likely benign for COL1A1-related condition. Last evaluated: 2023-02-17. Review status: no assertion criteria provided. Collection method: clinical testing. Allele origin: germline.
Comment: This variant is classified as likely benign based on ACMG/AMP sequence variant interpretation guidelines (Richards et al. 2015 PMID: 25741868, with internal and published modifications).